The following is an entry in ClinVar:

ClinVar aggregate classification (germline): Uncertain significance (1 of 4 stars; one submission).

Conditions:
BAP1-related tumor predisposition syndrome (TPDS1). Also called: COMMON Syndrome; Tumor susceptibility linked to germline BAP1 mutations; TUMOR PREDISPOSITION SYNDROME 1; BAP1 tumor predisposition syndrome. Identifiers: Orphanet 289539, MedGen C3280492, MONDO:0013692, OMIM 614327.

Submission:

Labcorp Genetics (formerly Invitae), Labcorp
Classification: Uncertain significance for BAP1-related tumor predisposition syndrome. Last evaluated: 2016-12-11. Review status: criteria provided, single submitter. Criteria: Invitae Variant Classification Sherloc (09022015). Collection method: clinical testing. Allele origin: germline.
Comment: Algorithms developed to predict the effect of missense changes on protein structure and function do not agree on the potential impact of this missense change (SIFT: "Tolerated"; PolyPhen-2: "Probably Damaging"; Align-GVGD: "Class C0"). This variant is not present in population databases (ExAC no frequency) and has not been reported in the literature in individuals with a BAP1-related disease. In summary, this variant is a novel missense change with uncertain impact on protein function. It has been classified as a Variant of Uncertain Significance. This sequence change replaces threonine with serine at codon 64 of the BAP1 protein (p.Thr64Ser). The threonine residue is highly conserved and there is a small physicochemical difference between threonine and serine.

NM_004656.4(BAP1):c.190A>T (p.Thr64Ser)

Gene: BAP1 (BRCA1 associated deubiquitinase 1; minus strand). Cytogenetic location: 3p21.1.
Variant type: single nucleotide variant.
Coding change: c.190A>T on transcript NM_004656.4 (MANE Select); coding-DNA position 190, A replaced by T.
Protein change: p.Thr64Ser; replaces threonine 64 with serine.
Molecular consequence: missense variant.
Genome position (GRCh38, 1-based): chr3:52,408,539, T>A on the plus strand (A>T on the coding strand, the complement: BAP1 is on the minus strand). VCF-style: chr3-52408539-T-A. GRCh37 (hg19) VCF-style: chr3-52442555-T-A.
Other names: short protein forms T64S.
Identifiers: ClinVar variation 412412 (VCV000412412.5), dbSNP rs1060503733, ClinGen allele CA16611545.
Genomic context (GRCh38, chr3:52,408,539, plus strand): 5'-GGGCAAAGAACATGTTATTCACAATATCATCATCAATCACGGACGTATCATCCACCAAGG[T>A]AGAGACCTTTCGCCGGGACCGGCGCTCTTCGATCCATTTGAACAGGAAGATAAATCCATA-3'
Protein context (NP_004647.1, residues 54-74): EERRSRRKVS[Thr64Ser]LVDDTSVIDD